The following is an entry in ClinVar:

ClinVar aggregate classification (germline): Uncertain significance (1 of 4 stars; one submission).

Conditions:
Familial hemophagocytic lymphohistiocytosis 5. Also called: STXBP2-Related Familial Hemophagocytic Lymphohistiocytosis (STXBP2-fHLH). Identifiers: Orphanet 540, MedGen C2751293, MONDO:0013135, OMIM 613101.

Allele frequency attached by ClinVar (database versions not stated): TOPMed 0.00001.

Submission:

Labcorp Genetics (formerly Invitae), Labcorp
Classification: Uncertain significance for Familial hemophagocytic lymphohistiocytosis 5. Last evaluated: 2022-11-08. Review status: criteria provided, single submitter. Criteria: Invitae Variant Classification Sherloc (09022015). Collection method: clinical testing. Allele origin: germline.
Comment: In summary, the available evidence is currently insufficient to determine the role of this variant in disease. Therefore, it has been classified as a Variant of Uncertain Significance. Advanced modeling of protein sequence and biophysical properties (such as structural, functional, and spatial information, amino acid conservation, physicochemical variation, residue mobility, and thermodynamic stability) performed at Invitae indicates that this missense variant is not expected to disrupt STXBP2 protein function. This variant has not been reported in the literature in individuals affected with STXBP2-related conditions. This variant is not present in population databases (gnomAD no frequency). This sequence change replaces aspartic acid, which is acidic and polar, with glutamic acid, which is acidic and polar, at codon 286 of the STXBP2 protein (p.Asp286Glu).

NM_006949.4(STXBP2):c.858C>G (p.Asp286Glu)

Gene: STXBP2 (syntaxin binding protein 2; plus strand). Cytogenetic location: 19p13.2.
Variant type: single nucleotide variant.
Coding change: c.858C>G on transcript NM_006949.4 (MANE Select); coding-DNA position 858, C replaced by G.
Protein change: p.Asp286Glu; replaces aspartic acid 286 with glutamic acid.
Molecular consequence: missense variant. On other transcripts: non-coding transcript variant (1).
Genome position (GRCh38, 1-based): chr19:7,642,492, C>G. VCF-style: chr19-7642492-C-G. GRCh37 (hg19) VCF-style: chr19-7707378-C-G.
Other names: c.849C>G, p.Asp283Glu (NM_001127396.3); c.891C>G, p.Asp297Glu (NM_001272034.2); c.762C>G, p.Asp254Glu (NM_001414484.1); short protein forms D254E, D286E, D283E, D297E.
Identifiers: ClinVar variation 2125537 (VCV002125537.2), dbSNP rs2031932437, ClinGen allele CA403159786.
Genomic context (GRCh38, chr19:7,642,492, plus strand): 5'-TGAGACCACCGGGCTGAGCGAGGCGCGGGAGAAGGCCGTCTTGCTGGACGAGGACGATGA[C>G]TTGTGGGTGGAGCTTCGCCACATGCATATCGCAGATGTGTCCAAGTGCGTGCACACGGGG-3'
Protein context (NP_008880.2, residues 276-296): EKAVLLDEDD[Asp286Glu]LWVELRHMHI